The following is an entry in ClinVar:

ClinVar aggregate classification (germline): Conflicting classifications of pathogenicity. Review status: criteria provided, conflicting classifications (1 of 4 stars). 2 submissions from 2 submitters: Uncertain significance (1); Likely benign (1). Last evaluated 2026-01-09.

Allele frequency attached by ClinVar (database versions not stated): gnomAD exomes 0.00003 and 0.00013; TOPMed 0.00005; ExAC 0.00010.
gnomAD v4.1: 37 of 1,614,194 alleles (0.0023%); highest among the groups gnomAD compares: Admixed American, 0.058%; no homozygotes.

Submissions (2):

GeneDx
Classification: Uncertain significance. Last evaluated: 2026-01-09. Review status: criteria provided, single submitter. Criteria: GeneDx Variant Classification Process June 2021. Collection method: clinical testing. Allele origin: germline. Affected: yes.
Comment: In silico analysis suggests that this missense variant does not alter protein structure/function; Has not been previously published as pathogenic or benign to our knowledge

Labcorp Genetics (formerly Invitae), Labcorp
Classification: Likely benign. Last evaluated: 2025-06-09. Review status: criteria provided, single submitter. Criteria: Invitae Variant Classification Sherloc (09022015). Collection method: clinical testing. Allele origin: germline.

NM_054027.6(ANKH):c.1461G>A (p.Met487Ile)

Genes: ANKH (ANKH inorganic pyrophosphate transport regulator; minus strand), OTULIN (OTU deubiquitinase with linear linkage specificity; plus strand). Cytogenetic location: 5p15.2.
Variant type: single nucleotide variant.
Coding change: c.1461G>A on transcript NM_054027.6 (MANE Select); coding-DNA position 1461, G replaced by A.
Protein change: p.Met487Ile; replaces methionine 487 with isoleucine.
Molecular consequence: missense variant.
Genome position (GRCh38, 1-based): chr5:14,711,215, C>T on the plus strand (G>A on the coding strand, the complement: ANKH is on the minus strand). VCF-style: chr5-14711215-C-T. GRCh37 (hg19) VCF-style: chr5-14711324-C-T.
Other names: short protein forms M487I.
Identifiers: ClinVar variation 1311898 (VCV001311898.11), dbSNP rs777229764, ClinGen allele CA3208768.